The following is an entry in ClinVar:

NM_001004334.4(GPR179):c.5575G>T (p.Val1859Leu)

Gene: GPR179 (G protein-coupled receptor 179; minus strand). Cytogenetic location: 17q12.
Variant type: single nucleotide variant.
Coding change: c.5575G>T on transcript NM_001004334.4 (MANE Select); coding-DNA position 5575, G replaced by T.
Protein change: p.Val1859Leu; replaces valine 1859 with leucine.
Molecular consequence: missense variant.
Genome position (GRCh38, 1-based): chr17:38,327,994, C>A on the plus strand (G>T on the coding strand, the complement: GPR179 is on the minus strand). VCF-style: chr17-38327994-C-A. GRCh37 (hg19) VCF-style: chr17-36483877-C-A.
Other names: c.5575G>T (NM_001004334.2); short protein forms V1859L.
Identifiers: ClinVar variation 1008923 (VCV001008923.5), dbSNP rs371603020, ClinGen allele CA290103464.
Genomic context (GRCh38, chr17:38,327,994, plus strand): 5'-TGTTCTCCCAAATACAAATAGTTTCCTGTTGTTGACACAGTTTTGCCATCCCTTTTGATA[C>A]GTCTTCTCCCAGGGAAGTGAGTCTCCCCTTTTCTAGAGCTTTCTCCCTCTGCTCTGCTGA-3'
Protein context (NP_001004334.3, residues 1849-1869): KGRLTSLGED[Val1859Leu]SKGMAKLCQQ

ClinVar aggregate classification (germline): Uncertain significance. Review status: criteria provided, multiple submitters, no conflicts (2 of 4 stars). 2 submissions from 2 submitters: Uncertain significance (2). Last evaluated 2024-10-01.

Conditions:
Inborn genetic diseases. Identifiers: MedGen C0950123, MeSH D030342.

Allele frequency attached by ClinVar (database versions not stated): TOPMed 0.00002.
gnomAD v4.1: 78 of 1,613,974 alleles (0.0048%); highest among the groups gnomAD compares: Non-Finnish European, 0.0061%; no homozygotes.

Submissions (2):

Ambry Genetics
Classification: Uncertain significance for Inborn genetic diseases. Last evaluated: 2024-10-01. Review status: criteria provided, single submitter. Criteria: Ambry Variant Classification Scheme 2023. Collection method: clinical testing. Allele origin: germline.

Labcorp Genetics (formerly Invitae), Labcorp
Classification: Uncertain significance. Last evaluated: 2023-07-03. Review status: criteria provided, single submitter. Criteria: Invitae Variant Classification Sherloc (09022015). Collection method: clinical testing. Allele origin: germline.
Comment: ClinVar contains an entry for this variant (Variation ID: 1008923). This variant has not been reported in the literature in individuals affected with GPR179-related conditions. Algorithms developed to predict the effect of missense changes on protein structure and function output the following: SIFT: "Not Available"; PolyPhen-2: "Benign"; Align-GVGD: "Not Available". The leucine amino acid residue is found in multiple mammalian species, which suggests that this missense change does not adversely affect protein function. In summary, the available evidence is currently insufficient to determine the role of this variant in disease. Therefore, it has been classified as a Variant of Uncertain Significance. This variant is present in population databases (no rsID available, gnomAD 0.004%). This sequence change replaces valine, which is neutral and non-polar, with leucine, which is neutral and non-polar, at codon 1859 of the GPR179 protein (p.Val1859Leu).